The following is an entry in ClinVar:

ClinVar aggregate classification (germline): Uncertain significance. Review status: criteria provided, multiple submitters, no conflicts (2 of 4 stars). 2 submissions from 2 submitters: Uncertain significance (2). Last evaluated 2025-05-14.

Conditions:
Inflammatory bowel disease. Identifiers: Orphanet 104012, MedGen C0021390, MONDO:0005265.

Allele frequency attached by ClinVar (database versions not stated): gnomAD 0.00001; ExAC 0.00001; gnomAD exomes 0.00001; TOPMed 0.00002.
gnomAD v4.1: 13 of 1,613,964 alleles (0.00081%); highest among the groups gnomAD compares: Non-Finnish European, 0.00034%; no homozygotes.

Submissions (2):

Ambry Genetics
Classification: Uncertain significance. Last evaluated: 2025-05-14. Review status: criteria provided, single submitter. Criteria: Ambry Variant Classification Scheme 2023. Collection method: clinical testing. Allele origin: germline.

Labcorp Genetics (formerly Invitae), Labcorp
Classification: Uncertain significance for Inflammatory bowel disease. Last evaluated: 2021-02-26. Review status: criteria provided, single submitter. Criteria: Invitae Variant Classification Sherloc (09022015). Collection method: clinical testing. Allele origin: germline.
Comment: In summary, the available evidence is currently insufficient to determine the role of this variant in disease. Therefore, it has been classified as a Variant of Uncertain Significance. Algorithms developed to predict the effect of missense changes on protein structure and function are either unavailable or do not agree on the potential impact of this missense change (SIFT: "Deleterious"; PolyPhen-2: "Probably Damaging"; Align-GVGD: "Class C15"). This variant has not been reported in the literature in individuals with IL10-related conditions. This variant is present in population databases (rs746523858, ExAC 0.001%). This sequence change replaces arginine with tryptophan at codon 124 of the IL10 protein (p.Arg124Trp). The arginine residue is highly conserved and there is a moderate physicochemical difference between arginine and tryptophan.

NM_000572.3(IL10):c.370C>T (p.Arg124Trp)

Genes: IL10 (interleukin 10; minus strand), IL19 (interleukin 19; plus strand). Cytogenetic location: 1q32.1.
Variant type: single nucleotide variant.
Coding change: c.370C>T on transcript NM_000572.3 (MANE Select); coding-DNA position 370, C replaced by T.
Protein change: p.Arg124Trp; replaces arginine 124 with tryptophan.
Molecular consequence: missense variant. On other transcripts: 5 prime UTR variant (1), non-coding transcript variant (1), intron variant (1).
Genome position (GRCh38, 1-based): chr1:206,770,915, G>A on the plus strand (C>T on the coding strand, the complement: IL10 is on the minus strand). VCF-style: chr1-206770915-G-A. GRCh37 (hg19) VCF-style: chr1-206944260-G-A.
Other names: c.-312G>A (NM_153758.5); c.115C>T, p.Arg39Trp (NM_001382624.1); c.-149+85G>A (NM_001393490.1); short protein forms R124W, R39W.
Identifiers: ClinVar variation 1011995 (VCV001011995.9), dbSNP rs746523858, ClinGen allele CA1363767.
Genomic context (GRCh38, chr1:206,770,915, plus strand): 5'-GAGATGGTATTTTGGGGGCAGCTGCAAGGGAAAAAACTGATCTGCTACTTACACAGCGCC[G>A]TAGCCTCAGCCTGAGGGTCTTCAGGTTCTCCCCCAGGGAGTTCACATGCGCCTTGATGTC-3'
Protein context (NP_000563.1, residues 114-134): ENLKTLRLRL[Arg124Trp]RCHRFLPCEN